The following is an entry in ClinVar:

ClinVar aggregate classification (germline): Uncertain significance (1 of 4 stars; one submission).

gnomAD v4.1: 5 of 1,610,744 alleles (0.00031%); highest among the groups gnomAD compares: Non-Finnish European, 0.00042%; no homozygotes.

Submission:

Labcorp Genetics (formerly Invitae), Labcorp
Classification: Uncertain significance. Last evaluated: 2024-07-01. Review status: criteria provided, single submitter. Criteria: Invitae Variant Classification Sherloc (09022015). Collection method: clinical testing. Allele origin: germline.
Comment: This sequence change replaces proline, which is neutral and non-polar, with serine, which is neutral and polar, at codon 235 of the CNOT3 protein (p.Pro235Ser). This variant is present in population databases (rs375948136, gnomAD 0.007%). This variant has not been reported in the literature in individuals affected with CNOT3-related conditions. An algorithm developed to predict the effect of missense changes on protein structure and function (PolyPhen-2) suggests that this variant is likely to be tolerated. In summary, the available evidence is currently insufficient to determine the role of this variant in disease. Therefore, it has been classified as a Variant of Uncertain Significance.

NM_014516.4(CNOT3):c.703C>T (p.Pro235Ser)

Gene: CNOT3 (CCR4-NOT transcription complex subunit 3; plus strand). Cytogenetic location: 19q13.42.
Variant type: single nucleotide variant.
Coding change: c.703C>T on transcript NM_014516.4 (MANE Select); coding-DNA position 703, C replaced by T.
Protein change: p.Pro235Ser; replaces proline 235 with serine.
Molecular consequence: missense variant.
Genome position (GRCh38, 1-based): chr19:54,145,817, C>T. VCF-style: chr19-54145817-C-T. GRCh37 (hg19) VCF-style: chr19-54649553-C-T.
Other names: short protein forms P235S.
Identifiers: ClinVar variation 3682140 (VCV003682140.2).